The following is an entry in ClinVar:

NM_144691.4(CAPN12):c.426+81del

Gene: CAPN12 (calpain 12; minus strand). Cytogenetic location: 19q13.2.
Variant type: Deletion.
Coding change: c.426+81del on transcript NM_144691.4 (MANE Select); 81 bases into the intron after coding-DNA position 426, one base deleted (T; older notation c.426+81delT).
Molecular consequence: intron variant.
Genome position (GRCh38, 1-based): chr19:38,742,329, A deleted on the plus strand (T on the coding strand, the reverse complement: CAPN12 is on the minus strand); the first of 15 consecutive A bases (chr19:38,742,329-38,742,343); deleting any one gives the same sequence. VCF-style (leftmost placement, unchanged base first): chr19-38742328-CA-C. GRCh37 (hg19) VCF-style: chr19-39232968-CA-C.
Identifiers: ClinVar variation 4795383 (VCV004795383.1).
Genomic context (GRCh38, chr19:38,742,328, plus strand): 5'-GCAGTGAGCCGAGATTGTGCCACTGCACTCCAGCCTGGATGACAGAGTGAGATTCCATCT[CA>C]AAAAAAAAAAAAAAGAAAAATCCATATCACCAAGTCACCATGGGGGAAACGGAGGCATGG-3'

ClinVar aggregate classification (germline): Likely benign (1 of 4 stars; one submission).

Submission:

GeneDx
Classification: Likely benign. Last evaluated: 2019-10-05. Review status: criteria provided, single submitter. Criteria: GeneDx Variant Classification Process June 2021. Collection method: clinical testing. Allele origin: germline. Affected: yes.
Comment: See Variant Classification Assertion Criteria.